The following is an entry in ClinVar:

ClinVar aggregate classification (germline): Uncertain significance (1 of 4 stars; one submission).

Conditions:
Inborn genetic diseases. Identifiers: MedGen C0950123, MeSH D030342.

gnomAD v4.1: 1 of 1,585,944 alleles (0.000063%); highest among the groups gnomAD compares: Non-Finnish European, 0.000087%; no homozygotes.

Submission:

Ambry Genetics
Classification: Uncertain significance for Inborn genetic diseases. Last evaluated: 2025-12-10. Review status: criteria provided, single submitter. Criteria: Ambry Variant Classification Scheme 2023. Collection method: clinical testing. Allele origin: germline.
Comment: The p.P1572S variant (also known as c.4714C>T), located in coding exon 19 of the FANCM gene, results from a C to T substitution at nucleotide position 4714. The proline at codon 1572 is replaced by serine, an amino acid with similar properties. This amino acid position is conserved. In addition, the in silico prediction for this alteration is inconclusive. Based on the available evidence, the clinical significance of this variant remains unclear.

NM_020937.4(FANCM):c.4714C>T (p.Pro1572Ser)

Gene: FANCM (FA complementation group M; plus strand). Cytogenetic location: 14q21.2.
Variant type: single nucleotide variant.
Coding change: c.4714C>T on transcript NM_020937.4 (MANE Select); coding-DNA position 4714, C replaced by T.
Protein change: p.Pro1572Ser; replaces proline 1572 with serine.
Molecular consequence: missense variant.
Genome position (GRCh38, 1-based): chr14:45,187,822, C>T. VCF-style: chr14-45187822-C-T. GRCh37 (hg19) VCF-style: chr14-45657025-C-T.
Other names: c.4636C>T, p.Pro1546Ser (NM_001308133.2); short protein forms P1546S, P1572S.
Identifiers: ClinVar variation 4619638 (VCV004619638.1).